The following is an entry in ClinVar:

NM_001165963.4(SCN1A):c.1191A>G (p.Lys397=)

Gene: SCN1A (sodium voltage-gated channel alpha subunit 1; minus strand). Cytogenetic location: 2q24.3.
Variant type: single nucleotide variant.
Coding change: c.1191A>G on transcript NM_001165963.4 (MANE Select); coding-DNA position 1191, A replaced by G.
Protein change: p.Lys397=; no amino-acid change (lysine 397 retained).
Molecular consequence: synonymous variant. On other transcripts: 5 prime UTR variant (1), non-coding transcript variant (1).
Genome position (GRCh38, 1-based): chr2:166,046,956, T>C on the plus strand (A>G on the coding strand, the complement: SCN1A is on the minus strand). VCF-style: chr2-166046956-T-C. GRCh37 (hg19) VCF-style: chr2-166903466-T-C.
Other names: c.1191A>G, p.Lys397= (NM_001165964.3, NM_001202435.3, NM_001353948.2 and 10 more transcripts); c.-1235A>G (NM_001353961.2).
Identifiers: ClinVar variation 2651501 (VCV002651501.24), dbSNP rs2468182516, ClinGen allele CA429903028.

ClinVar aggregate classification (germline): Likely benign (1 of 4 stars; one submission).

Submission:

CeGaT Center for Human Genetics Tuebingen
Classification: Likely benign. Last evaluated: 2022-05-01. Review status: criteria provided, single submitter. Criteria: CeGaT Center For Human Genetics Tuebingen Variant Classification Criteria Version 2. Collection method: clinical testing. Allele origin: germline. Affected: yes. Observed: 1 variant allele.
Comment: SCN1A: PM2:Supporting, BP4, BP7